The following is an entry in ClinVar:

NM_002972.4(SBF1):c.2673G>A (p.Pro891=)

Gene: SBF1 (SET binding factor 1; minus strand). Cytogenetic location: 22q13.33.
Variant type: single nucleotide variant.
Coding change: c.2673G>A on transcript NM_002972.4 (MANE Select); coding-DNA position 2673, G replaced by A.
Protein change: p.Pro891=; no amino-acid change (proline 891 retained).
Molecular consequence: synonymous variant.
Genome position (GRCh38, 1-based): chr22:50,461,689, C>T on the plus strand (G>A on the coding strand, the complement: SBF1 is on the minus strand). VCF-style: chr22-50461689-C-T. GRCh37 (hg19) VCF-style: chr22-50900118-C-T.
Other names: c.2676G>A, p.Pro892= (NM_001365819.1, NM_001410794.1); c.2673G>A, p.Pro891= (NM_001410795.1, NM_197971.1).
Identifiers: ClinVar variation 1923169 (VCV001923169.5), dbSNP rs543640552, ClinGen allele CA10317093.

ClinVar aggregate classification (germline): Uncertain significance (1 of 4 stars; one submission).

Allele frequency attached by ClinVar (database versions not stated): 1000 Genomes Project 30x 0.00016; 1000 Genomes Project 0.00020; TOPMed 0.00004; gnomAD 0.00005.
gnomAD v4.1: 30 of 1,609,730 alleles (0.0019%); highest among the groups gnomAD compares: East Asian, 0.022%; no homozygotes.

Submission:

Labcorp Genetics (formerly Invitae), Labcorp
Classification: Uncertain significance. Last evaluated: 2023-12-14. Review status: criteria provided, single submitter. Criteria: Invitae Variant Classification Sherloc (09022015). Collection method: clinical testing. Allele origin: germline.
Comment: This sequence change affects codon 891 of the SBF1 mRNA. It is a 'silent' change, meaning that it does not change the encoded amino acid sequence of the SBF1 protein. This variant is present in population databases (rs543640552, gnomAD 0.04%). This variant has not been reported in the literature in individuals affected with SBF1-related conditions. ClinVar contains an entry for this variant (Variation ID: 1923169). Algorithms developed to predict the effect of sequence changes on RNA splicing suggest that this variant may create or strengthen a splice site. In summary, the available evidence is currently insufficient to determine the role of this variant in disease. Therefore, it has been classified as a Variant of Uncertain Significance.